The following is an entry in ClinVar:

ClinVar aggregate classification (germline): Uncertain significance (1 of 4 stars; one submission).

Conditions:
Hereditary cancer-predisposing syndrome. Also called: Neoplastic Syndromes, Hereditary; Tumor predisposition; Hereditary neoplastic syndrome; Hereditary Cancer Syndrome. Identifiers: Orphanet 140162, MedGen C0027672, MeSH D009386, MONDO:0015356.
Cardiovascular phenotype. Identifiers: MedGen CN230736.

Submission:

Ambry Genetics
Classification: Uncertain significance for Cardiovascular phenotype; Hereditary cancer-predisposing syndrome. Last evaluated: 2019-01-24. Review status: criteria provided, single submitter. Criteria: Ambry Variant Classification Scheme 2023. Collection method: clinical testing. Allele origin: germline.
Comment: The p.A2177G variant (also known as c.6530C>G), located in coding exon 42 of the NF1 gene, results from a C to G substitution at nucleotide position 6530. The alanine at codon 2177 is replaced by glycine, an amino acid with similar properties. This amino acid position is highly conserved in available vertebrate species. In addition, this alteration is predicted to be tolerated by in silico analysis. Since supporting evidence is limited at this time, the clinical significance of this alteration remains unclear.

NM_001042492.3(NF1):c.6593C>G (p.Ala2198Gly)

Gene: NF1 (neurofibromin 1; plus strand). Cytogenetic location: 17q11.2.
Variant type: single nucleotide variant.
Coding change: c.6593C>G on transcript NM_001042492.3 (MANE Select); coding-DNA position 6593, C replaced by G.
Protein change: p.Ala2198Gly; replaces alanine 2198 with glycine.
Molecular consequence: missense variant.
Genome position (GRCh38, 1-based): chr17:31,337,533, C>G. VCF-style: chr17-31337533-C-G. GRCh37 (hg19) VCF-style: chr17-29664551-C-G.
Other names: c.6530C>G, p.Ala2177Gly (NM_000267.4); short protein forms A2177G, A2198G.
Identifiers: ClinVar variation 826467 (VCV000826467.4), dbSNP rs1597843976, ClinGen allele CA399013353.